The following is an entry in ClinVar:

ClinVar aggregate classification (germline): Uncertain significance. Review status: criteria provided, multiple submitters, no conflicts (2 of 4 stars). 3 submissions from 3 submitters: Uncertain significance (3). Last evaluated 2025-12-28.

Conditions:
BBS2-related disorder. Also called: BBS2-related condition; BBS2-related disorders. Identifiers: MedGen CN239228.
Inborn genetic diseases. Identifiers: MedGen C0950123, MeSH D030342.
Bardet-Biedl syndrome (BBS). Identifiers: Orphanet 110, MedGen C0752166, MONDO:0015229.

Allele frequency attached by ClinVar (database versions not stated): gnomAD exomes below 0.00001; ExAC 0.00001.
gnomAD v4.1: 6 of 1,614,144 alleles (0.00037%); highest among the groups gnomAD compares: Non-Finnish European, 0.00051%; no homozygotes.

Submissions (3):

PreventionGenetics, part of Exact Sciences
Classification: Uncertain significance for BBS2-related condition. Last evaluated: 2025-12-28. Review status: criteria provided, single submitter. Criteria: ACMG Guidelines, 2015. Collection method: clinical testing. Allele origin: germline.
Comment: The BBS2 c.2044G>A variant is predicted to result in the amino acid substitution p.Ala682Thr. To our knowledge, this variant has not been reported in the literature. This variant is reported in 0.00088% of alleles in individuals of European (Non-Finnish) descent in gnomAD. At this time, the clinical significance of this variant is uncertain due to the absence of conclusive functional and genetic evidence.

Ambry Genetics
Classification: Uncertain significance for Inborn genetic diseases. Last evaluated: 2024-12-31. Review status: criteria provided, single submitter. Criteria: Ambry Variant Classification Scheme 2023. Collection method: clinical testing. Allele origin: germline.

Labcorp Genetics (formerly Invitae), Labcorp
Classification: Uncertain significance for Bardet-Biedl syndrome. Last evaluated: 2024-11-05. Review status: criteria provided, single submitter. Criteria: Invitae Variant Classification Sherloc (09022015). Collection method: clinical testing. Allele origin: germline.
Comment: This sequence change replaces alanine, which is neutral and non-polar, with threonine, which is neutral and polar, at codon 682 of the BBS2 protein (p.Ala682Thr). This variant is present in population databases (rs777000749, gnomAD 0.0009%). This variant has not been reported in the literature in individuals affected with BBS2-related conditions. ClinVar contains an entry for this variant (Variation ID: 1508938). Invitae Evidence Modeling of protein sequence and biophysical properties (such as structural, functional, and spatial information, amino acid conservation, physicochemical variation, residue mobility, and thermodynamic stability) indicates that this missense variant is expected to disrupt BBS2 protein function with a positive predictive value of 80%. In summary, the available evidence is currently insufficient to determine the role of this variant in disease. Therefore, it has been classified as a Variant of Uncertain Significance.

NM_031885.5(BBS2):c.2044G>A (p.Ala682Thr)

Gene: BBS2 (Bardet-Biedl syndrome 2; minus strand). Cytogenetic location: 16q13.
Variant type: single nucleotide variant.
Coding change: c.2044G>A on transcript NM_031885.5 (MANE Select); coding-DNA position 2044, G replaced by A.
Protein change: p.Ala682Thr; replaces alanine 682 with threonine.
Molecular consequence: missense variant. On other transcripts: non-coding transcript variant (5).
Genome position (GRCh38, 1-based): chr16:56,485,605, C>T on the plus strand (G>A on the coding strand, the complement: BBS2 is on the minus strand). VCF-style: chr16-56485605-C-T. GRCh37 (hg19) VCF-style: chr16-56519517-C-T.
Other names: c.2044G>A, p.Ala682Thr (NM_001377456.1); c.2044G>A (NM_031885.3); short protein forms A682T.
Identifiers: ClinVar variation 1508938 (VCV001508938.9), dbSNP rs777000749, ClinGen allele CA8065556.
Genomic context (GRCh38, chr16:56,485,605, plus strand): 5'-AAAAACATTACAGATCAAAGTGCAGTGTTATGAAAAGAGACTTACCCCGCAGACGACCTG[C>T]TCTTTGAATTGCTTGATTTACTGCTTTGAGGTTTCCCAACAGCTCTGTGTGATTGTTACA-3'
Protein context (NP_114091.4, residues 672-692): LKAVNQAIQR[Ala682Thr]GRLRVGKPKN